The following is an entry in ClinVar:

ClinVar aggregate classification (germline): Uncertain significance (1 of 4 stars; one submission).

Submission:

Ambry Genetics
Classification: Uncertain significance. Last evaluated: 2025-06-20. Review status: criteria provided, single submitter. Criteria: Ambry Variant Classification Scheme 2023. Collection method: clinical testing. Allele origin: germline.
Comment: The p.L143P variant (also known as c.428T>C), located in coding exon 4 of the RECQL gene, results from a T to C substitution at nucleotide position 428. The leucine at codon 143 is replaced by proline, an amino acid with similar properties. This amino acid position is conserved. In addition, this alteration is predicted to be deleterious by in silico analysis. Based on the available evidence, the clinical significance of this variant remains unclear.

NM_002907.4(RECQL):c.428T>C (p.Leu143Pro)

Gene: RECQL (RecQ like helicase; minus strand). Cytogenetic location: 12p12.1.
Variant type: single nucleotide variant.
Coding change: c.428T>C on transcript NM_002907.4 (MANE Select); coding-DNA position 428, T replaced by C.
Protein change: p.Leu143Pro; replaces leucine 143 with proline.
Molecular consequence: missense variant.
Genome position (GRCh38, 1-based): chr12:21,486,552, A>G on the plus strand (T>C on the coding strand, the complement: RECQL is on the minus strand). VCF-style: chr12-21486552-A-G. GRCh37 (hg19) VCF-style: chr12-21639486-A-G.
Other names: c.428T>C, p.Leu143Pro (NM_032941.3); short protein forms L143P.
Identifiers: ClinVar variation 4152297 (VCV004152297.1).